The following is an entry in ClinVar:

ClinVar aggregate classification (germline): Pathogenic (1 of 4 stars; one submission).

Conditions:
Bardet-Biedl syndrome (BBS). Identifiers: Orphanet 110, MedGen C0752166, MONDO:0015229.

Submission:

Labcorp Genetics (formerly Invitae), Labcorp
Classification: Pathogenic for Bardet-Biedl syndrome. Last evaluated: 2024-01-29. Review status: criteria provided, single submitter. Criteria: Invitae Variant Classification Sherloc (09022015). Collection method: clinical testing. Allele origin: germline.
Comment: This sequence change creates a premature translational stop signal (p.Ser465Alafs*22) in the BBS2 gene. It is expected to result in an absent or disrupted protein product. Loss-of-function variants in BBS2 are known to be pathogenic (PMID: 11285252, 20177705, 24608809, 26518167). This variant is not present in population databases (gnomAD no frequency). This variant has not been reported in the literature in individuals affected with BBS2-related conditions. For these reasons, this variant has been classified as Pathogenic.

Literature cited by the submitters: PubMed 11285252; PubMed 20177705; PubMed 24608809; PubMed 26518167.

NM_031885.5(BBS2):c.1393del (p.Ser465fs)

Gene: BBS2 (Bardet-Biedl syndrome 2; minus strand). Cytogenetic location: 16q13.
Variant type: Deletion.
Coding change: c.1393del on transcript NM_031885.5 (MANE Select); coding-DNA position 1393, one base deleted (A; older notation c.1393delA).
Protein change: p.Ser465fs; shifts the reading frame from serine 465.
Molecular consequence: frameshift variant. On other transcripts: non-coding transcript variant (2).
Genome position (GRCh38, 1-based): chr16:56,500,858, T deleted on the plus strand (A on the coding strand, the reverse complement: BBS2 is on the minus strand); the first of 2 consecutive T bases (chr16:56,500,858-56,500,859); deleting either gives the same sequence. VCF-style (leftmost placement, unchanged base first): chr16-56500857-CT-C. GRCh37 (hg19) VCF-style: chr16-56534769-CT-C.
Other names: c.1393del, p.Ser465fs (NM_001377456.1); short protein forms S465fs.
Identifiers: ClinVar variation 2714025 (VCV002714025.3), dbSNP rs2543707408, ClinGen allele CA2697555836.